The following is an entry in ClinVar:

NM_001370466.1(NOD2):c.1450A>G (p.Thr484Ala)

Gene: NOD2 (nucleotide binding oligomerization domain containing 2; plus strand). Cytogenetic location: 16q12.1.
Variant type: single nucleotide variant.
Coding change: c.1450A>G on transcript NM_001370466.1 (MANE Select); coding-DNA position 1450, A replaced by G.
Protein change: p.Thr484Ala; replaces threonine 484 with alanine.
Molecular consequence: missense variant. On other transcripts: non-coding transcript variant (1).
Genome position (GRCh38, 1-based): chr16:50,711,442, A>G. VCF-style: chr16-50711442-A-G. GRCh37 (hg19) VCF-style: chr16-50745353-A-G.
Other names: c.1450A>G, p.Thr484Ala (NM_001293557.2); c.1531A>G, p.Thr511Ala (NM_022162.3); short protein forms T484A, T511A.
Identifiers: ClinVar variation 646734 (VCV000646734.50), dbSNP rs759153904, ClinGen allele CA8051565.
Genomic context (GRCh38, chr16:50,711,442, plus strand): 5'-ATGGTGTCCAAATGCCACCAGGAACTGTTGCTGCAGGAGGGGGGGTCCCCAAAGACCACT[A>G]CAGATATGTACCTGCTGATTCTGCAGCATTTTCTGCTGCATGCCACCCCCCCAGACTCAG-3'
Protein context (NP_001357395.1, residues 474-494): LQEGGSPKTT[Thr484Ala]DMYLLILQHF

ClinVar aggregate classification (germline): Uncertain significance. Review status: criteria provided, multiple submitters, no conflicts (2 of 4 stars). 3 submissions from 3 submitters: Uncertain significance (3). Last evaluated 2025-12-23.

Conditions:
Regional enteritis. Also called: Enteritis, Granulomatous. Identifiers: MedGen C0678202, MeSH D003424.
Blau syndrome (BLAUS). Also called: JABS SYNDROME; ARTHROCUTANEOUVEAL GRANULOMATOSIS; GRANULOMATOSIS, FAMILIAL JUVENILE SYSTEMIC; GRANULOMATOSIS, FAMILIAL, BLAU TYPE; GRANULOMATOUS INFLAMMATORY ARTHRITIS, DERMATITIS, AND UVEITIS, FAMILIAL. Identifiers: Orphanet 90340, MedGen C5201146, MONDO:0008523, OMIM 186580.

Allele frequency attached by ClinVar (database versions not stated): ExAC 0.00003; gnomAD exomes 0.00004 and 0.00005; gnomAD 0.00005; TOPMed 0.00006.
gnomAD v4.1: 77 of 1,613,398 alleles (0.0048%); highest among the groups gnomAD compares: Non-Finnish European, 0.0064%; no homozygotes.

Submissions (3):

Labcorp Genetics (formerly Invitae), Labcorp
Classification: Uncertain significance for Regional enteritis; Blau syndrome. Last evaluated: 2025-12-23. Review status: criteria provided, single submitter. Criteria: Invitae Variant Classification Sherloc (09022015). Collection method: clinical testing. Allele origin: germline.
Comment: This sequence change replaces threonine, which is neutral and polar, with alanine, which is neutral and non-polar, at codon 511 of the NOD2 protein (p.Thr511Ala). This variant is present in population databases (rs759153904, gnomAD 0.009%). This variant has not been reported in the literature in individuals affected with NOD2-related conditions. ClinVar contains an entry for this variant (Variation ID: 646734). Invitae Evidence Modeling of protein sequence and biophysical properties (such as structural, functional, and spatial information, amino acid conservation, physicochemical variation, residue mobility, and thermodynamic stability) has been performed for this missense variant. However, the output from this modeling did not meet the statistical confidence thresholds required to predict the impact of this variant on NOD2 protein function. In summary, the available evidence is currently insufficient to determine the role of this variant in disease. Therefore, it has been classified as a Variant of Uncertain Significance.

Institute for Clinical Genetics, University Hospital TU Dresden, University Hospital TU Dresden
Classification: Uncertain significance. Last evaluated: 2022-05-10. Review status: criteria provided, single submitter. Criteria: ACMG Guidelines, 2015. Collection method: clinical testing. Allele origin: germline.
Comment: PP3

CeGaT Center for Human Genetics Tuebingen
Classification: Uncertain significance. Last evaluated: 2018-05-01. Review status: criteria provided, single submitter. Criteria: CeGaT Center For Human Genetics Tuebingen Variant Classification Criteria Version 2. Collection method: clinical testing. Allele origin: germline. Affected: yes. Observed: 1 variant allele.